The following is an entry in ClinVar:

NM_001025616.3(ARHGAP24):c.1222C>T (p.His408Tyr)

Gene: ARHGAP24 (Rho GTPase activating protein 24; plus strand). Cytogenetic location: 4q21.23.
Variant type: single nucleotide variant.
Coding change: c.1222C>T on transcript NM_001025616.3 (MANE Select); coding-DNA position 1222, C replaced by T.
Protein change: p.His408Tyr; replaces histidine 408 with tyrosine.
Molecular consequence: missense variant.
Genome position (GRCh38, 1-based): chr4:85,994,876, C>T. VCF-style: chr4-85994876-C-T. GRCh37 (hg19) VCF-style: chr4-86916029-C-T.
Other names: c.937C>T, p.His313Tyr (NM_001042669.2); c.967C>T, p.His323Tyr (NM_001287805.2); c.643C>T, p.His215Tyr (NM_001346093.2); c.943C>T, p.His315Tyr (NM_031305.3); c.1222C>T (NM_001025616.2); short protein forms H315Y, H408Y, H313Y, H215Y, H323Y.
Identifiers: ClinVar variation 2171866 (VCV002171866.6), dbSNP rs147274215, ClinGen allele CA2994692.

ClinVar aggregate classification (germline): Conflicting classifications of pathogenicity. Review status: criteria provided, conflicting classifications (1 of 4 stars). 3 submissions from 3 submitters: Uncertain significance (2); Likely benign (1). Last evaluated 2025-08-31.

Conditions:
ARHGAP24-related disorder. Also called: ARHGAP24-related condition.

Allele frequency attached by ClinVar (database versions not stated): gnomAD exomes 0.00003; ExAC 0.00004; TOPMed 0.00004; ESP Exome Variant Server 0.00015.
gnomAD v4.1: 40 of 1,614,088 alleles (0.0025%); highest among the groups gnomAD compares: Middle Eastern, 0.033%; no homozygotes.

Submissions (3):

Ambry Genetics
Classification: Likely benign. Last evaluated: 2025-08-31. Review status: criteria provided, single submitter. Criteria: Ambry Variant Classification Scheme 2023. Collection method: clinical testing. Allele origin: germline.

PreventionGenetics, part of Exact Sciences
Classification: Uncertain significance for ARHGAP24-related condition. Last evaluated: 2025-04-24. Review status: criteria provided, single submitter. Criteria: ACMG Guidelines, 2015. Collection method: clinical testing. Allele origin: germline.
Comment: The ARHGAP24 c.1222C>T variant is predicted to result in the amino acid substitution p.His408Tyr. To our knowledge, this variant has not been reported in the literature. This variant is reported in 0.0062% of alleles in individuals of European (Non-Finnish) descent in gnomAD. At this time, the clinical significance of this variant is uncertain due to the absence of conclusive functional and genetic evidence.

Labcorp Genetics (formerly Invitae), Labcorp
Classification: Uncertain significance. Last evaluated: 2022-02-20. Review status: criteria provided, single submitter. Criteria: Invitae Variant Classification Sherloc (09022015). Collection method: clinical testing. Allele origin: germline.
Comment: This variant has not been reported in the literature in individuals affected with ARHGAP24-related conditions. In summary, the available evidence is currently insufficient to determine the role of this variant in disease. Therefore, it has been classified as a Variant of Uncertain Significance. Algorithms developed to predict the effect of missense changes on protein structure and function (SIFT, PolyPhen-2, Align-GVGD) all suggest that this variant is likely to be tolerated. This variant is present in population databases (rs147274215, gnomAD 0.006%). This sequence change replaces histidine, which is basic and polar, with tyrosine, which is neutral and polar, at codon 408 of the ARHGAP24 protein (p.His408Tyr).